The following is an entry in ClinVar:

ClinVar aggregate classification (germline): Uncertain significance (1 of 4 stars; one submission).

Conditions:
Malignant hyperthermia, susceptibility to, 1 (MHS1). Also called: Anesthesia related hyperthermia; Malignant hyperpyrexia; Fulminating hyperpyrexia; Pharmacogenic myopathy; RYR1-Related Malignant Hyperthermia Susceptibility; Malignant hyperthermia suceptibility 1. Identifiers: Orphanet 423, MedGen C2930980, MONDO:0007783, OMIM 145600.

Allele frequency attached by ClinVar (database versions not stated): ExAC 0.00002.
gnomAD v4.1: 4 of 1,613,318 alleles (0.00025%); highest among the groups gnomAD compares: South Asian, 0.0044%; no homozygotes.

Submission:

All of Us Research Program, National Institutes of Health
Classification: Uncertain significance for Malignant hyperthermia, susceptibility to, 1. Last evaluated: 2023-08-15. Review status: criteria provided, single submitter. Criteria: ACMG Guidelines, 2015. Collection method: clinical testing. Allele origin: germline. Inheritance: Autosomal dominant inheritance. Observed: 1 variant allele, 1 heterozygote.
Comment: This missense variant replaces tyrosine with histidine at codon 3166 of the RYR1 protein. Computational prediction is inconclusive regarding the impact of this variant on protein structure and function (internally defined REVEL score threshold 0.5 < inconclusive < 0.7, PMID: 27666373). To our knowledge, functional studies have not been reported for this variant. This variant has not been reported in individuals affected with RYR1-related disorders in the literature. This variant has been identified in 2/251280 chromosomes in the general population by the Genome Aggregation Database (gnomAD). The available evidence is insufficient to determine the role of this variant in disease conclusively. Therefore, this variant is classified as a Variant of Uncertain Significance.

This study involves interpretation of variants in research participants for the purpose of population health screening. Participant phenotype was not available at the time of variant classification. Additional details can be found in publication PMID: 35346344, PMCID: PMC8962531

NM_000540.3(RYR1):c.9496T>C (p.Tyr3166His)

Gene: RYR1 (ryanodine receptor 1; plus strand). Cytogenetic location: 19q13.2.
Variant type: single nucleotide variant.
Coding change: c.9496T>C on transcript NM_000540.3 (MANE Select); coding-DNA position 9496, T replaced by C.
Protein change: p.Tyr3166His; replaces tyrosine 3166 with histidine.
Molecular consequence: missense variant.
Genome position (GRCh38, 1-based): chr19:38,515,049, T>C. VCF-style: chr19-38515049-T-C. GRCh37 (hg19) VCF-style: chr19-39005689-T-C.
Other names: c.9496T>C, p.Tyr3166His (NM_001042723.2); short protein forms Y3166H.
Identifiers: ClinVar variation 3072870 (VCV003072870.1), dbSNP rs766011054, ClinGen allele CA073723.